The following is an entry in ClinVar:

NM_004100.5(EYA4):c.83+6G>T

Gene: EYA4 (EYA transcriptional coactivator and phosphatase 4; plus strand). Cytogenetic location: 6q23.2.
Variant type: single nucleotide variant.
Coding change: c.83+6G>T on transcript NM_004100.5 (MANE Select); 6 bases into the intron after coding-DNA position 83, G replaced by T.
Molecular consequence: intron variant.
Genome position (GRCh38, 1-based): chr6:133,382,447, G>T. VCF-style: chr6-133382447-G-T. GRCh37 (hg19) VCF-style: chr6-133703585-G-T.
Other names: c.83+6G>T (NM_001301013.2, NM_172105.4, NM_001370458.1 and 3 more transcripts).
Identifiers: ClinVar variation 2821463 (VCV002821463.3), dbSNP rs200479266, ClinGen allele CA2739266134.

ClinVar aggregate classification (germline): Uncertain significance (1 of 4 stars; one submission).

Conditions:
Dilated cardiomyopathy 1J (CMD1J). Also called: CARDIOMYOPATHY, DILATED, WITH SENSORINEURAL HEARING LOSS, AUTOSOMAL DOMINANT. Identifiers: Orphanet 217622, MedGen C1854368, MONDO:0011541, OMIM 605362.

Submission:

Labcorp Genetics (formerly Invitae), Labcorp
Classification: Uncertain significance for Dilated cardiomyopathy 1J. Last evaluated: 2022-12-16. Review status: criteria provided, single submitter. Criteria: Invitae Variant Classification Sherloc (09022015). Collection method: clinical testing. Allele origin: germline.
Comment: Variants that disrupt the consensus splice site are a relatively common cause of aberrant splicing (PMID: 17576681, 9536098). Algorithms developed to predict the effect of sequence changes on RNA splicing suggest that this variant may disrupt the consensus splice site. In summary, the available evidence is currently insufficient to determine the role of this variant in disease. Therefore, it has been classified as a Variant of Uncertain Significance. This sequence change falls in intron 3 of the EYA4 gene. It does not directly change the encoded amino acid sequence of the EYA4 protein. It affects a nucleotide within the consensus splice site. This variant has not been reported in the literature in individuals affected with EYA4-related conditions. This variant is not present in population databases (gnomAD no frequency).

Literature cited by the submitters: PubMed 17576681; PubMed 9536098.